The following is an entry in ClinVar:

NM_023110.3(FGFR1):c.1921G>A (p.Asp641Asn)

Gene: FGFR1 (fibroblast growth factor receptor 1; minus strand). Cytogenetic location: 8p11.23.
Variant type: single nucleotide variant.
Coding change: c.1921G>A on transcript NM_023110.3 (MANE Select); coding-DNA position 1921, G replaced by A.
Protein change: p.Asp641Asn; replaces aspartic acid 641 with asparagine.
Molecular consequence: missense variant.
Genome position (GRCh38, 1-based): chr8:38,414,835, C>T on the plus strand (G>A on the coding strand, the complement: FGFR1 is on the minus strand). VCF-style: chr8-38414835-C-T. GRCh37 (hg19) VCF-style: chr8-38272353-C-T.
Other names: c.1915G>A, p.Asp639Asn (NM_001174063.2, NM_001174065.2, NM_001354367.2 and 1 more transcripts); c.1891G>A, p.Asp631Asn (NM_001174064.2); c.1654G>A, p.Asp552Asn (NM_001174066.2, NM_023105.3); c.2014G>A, p.Asp672Asn (NM_001174067.2); c.1642G>A, p.Asp548Asn (NM_001354368.2); c.1909G>A, p.Asp637Asn (NM_001354369.2); c.1648G>A, p.Asp550Asn (NM_001354370.2, NM_023106.3); short protein forms D641N, D548N, D637N, D672N, D631N, D639N, D550N, D552N.
Identifiers: ClinVar variation 517666 (VCV000517666.3), dbSNP rs1554548253, ClinGen allele CA370730316.

ClinVar aggregate classification (germline): Pathogenic (1 of 4 stars; one submission).

Conditions:
Hartsfield-Bixler-Demyer syndrome (HRTFDS). Also called: Holoprosencephaly, ectrodactyly, and bilateral cleft lip/palate; Hartsfield syndrome; FGFR1-Related Hartsfield Syndrome. Identifiers: Orphanet 2117, MedGen C1845146, MONDO:0014196, OMIM 615465. Disease mechanism: loss of function.

Submission:

Muenke lab, National Institutes of Health
Classification: Pathogenic for Hartsfield-Bixler-Demyer syndrome. Last evaluated: 2018-03-09. Review status: criteria provided, single submitter. Criteria: Submitter's publication. Collection method: research. Allele origin: not applicable. Inheritance: Autosomal dominant inheritance.
Comment: Zebrafish functional studies; confirmed as de novo.